The following is an entry in ClinVar:

NM_002734.5(PRKAR1A):c.1120A>G (p.Asn374Asp)

Gene: PRKAR1A (protein kinase cAMP-dependent type I regulatory subunit alpha; plus strand). Cytogenetic location: 17q24.2.
Variant type: single nucleotide variant.
Coding change: c.1120A>G on transcript NM_002734.5 (MANE Select); coding-DNA position 1120, A replaced by G.
Protein change: p.Asn374Asp; replaces asparagine 374 with aspartic acid.
Molecular consequence: missense variant. On other transcripts: intron variant (1).
Genome position (GRCh38, 1-based): chr17:68,530,423, A>G. VCF-style: chr17-68530423-A-G. GRCh37 (hg19) VCF-style: chr17-66526564-A-G.
Other names: c.1120A>G (NM_002734.3); c.1120A>G, p.Asn374Asp (NM_001276289.2, NM_001278433.2, NM_001369389.1 and 3 more transcripts); c.973+422A>G (NM_001276290.1); short protein forms N374D.
Identifiers: ClinVar variation 2881409 (VCV002881409.4), dbSNP rs2509447392, ClinGen allele CA400754954.

ClinVar aggregate classification (germline): Uncertain significance. Review status: criteria provided, multiple submitters, no conflicts (2 of 4 stars). 2 submissions from 2 submitters: Uncertain significance (2). Last evaluated 2025-05-05.

Conditions:
Carney complex, type 1 (CNC1). Also called: CARNEY MYXOMA-ENDOCRINE COMPLEX; CARNEY COMPLEX, TYPE I. Identifiers: Orphanet 1359, MedGen C2607929, MONDO:0008057, OMIM 160980.
Hereditary cancer-predisposing syndrome. Also called: Hereditary Cancer Syndrome; Hereditary neoplastic syndrome; Tumor predisposition; Neoplastic Syndromes, Hereditary. Identifiers: Orphanet 140162, MedGen C0027672, MeSH D009386, MONDO:0015356.

Submissions (2):

Labcorp Genetics (formerly Invitae), Labcorp
Classification: Uncertain significance for Carney complex, type 1. Last evaluated: 2025-05-05. Review status: criteria provided, single submitter. Criteria: Invitae Variant Classification Sherloc (09022015). Collection method: clinical testing. Allele origin: germline.
Comment: This sequence change replaces asparagine, which is neutral and polar, with aspartic acid, which is acidic and polar, at codon 374 of the PRKAR1A protein (p.Asn374Asp). This variant is not present in population databases (gnomAD no frequency). This variant has not been reported in the literature in individuals affected with PRKAR1A-related conditions. ClinVar contains an entry for this variant (Variation ID: 2881409). Invitae Evidence Modeling of protein sequence and biophysical properties (such as structural, functional, and spatial information, amino acid conservation, physicochemical variation, residue mobility, and thermodynamic stability) has been performed for this missense variant. However, the output from this modeling did not meet the statistical confidence thresholds required to predict the impact of this variant on PRKAR1A protein function. RNA analysis performed to evaluate the impact of this missense change on mRNA splicing indicates it does not significantly alter splicing (internal data). In summary, the available evidence is currently insufficient to determine the role of this variant in disease. Therefore, it has been classified as a Variant of Uncertain Significance.

Ambry Genetics
Classification: Uncertain significance for Hereditary cancer-predisposing syndrome. Last evaluated: 2024-09-16. Review status: criteria provided, single submitter. Criteria: Ambry Variant Classification Scheme 2023. Collection method: clinical testing. Allele origin: germline.
Comment: The p.N374D variant (also known as c.1120A>G), located in coding exon 10 of the PRKAR1A gene, results from an A to G substitution at nucleotide position 1120. The asparagine at codon 374 is replaced by aspartic acid, an amino acid with highly similar properties. This amino acid position is conserved. In addition, the in silico prediction for this alteration is inconclusive. Based on the available evidence, the clinical significance of this variant remains unclear.